The following is an entry in ClinVar:

ClinVar aggregate classification (germline): Benign/Likely benign. Review status: criteria provided, multiple submitters, no conflicts (2 of 4 stars). 7 submissions from 7 submitters: Benign (6); Likely benign (1). Last evaluated 2026-02-02.

Conditions:
Developmental and epileptic encephalopathy, 12 (DEE12). Identifiers: MedGen C3150988, MONDO:0013389, OMIM 613722.
Inborn genetic diseases. Identifiers: MedGen C0950123, MeSH D030342.
Microcephaly, seizures, and developmental delay. Identifiers: Orphanet 1934, MedGen C3150667, MONDO:0013254, OMIM 613402.

Allele frequency attached by ClinVar (database versions not stated): gnomAD exomes 0.00520 and 0.00162; ExAC 0.00525; 1000 Genomes Project 30x 0.01046; 1000 Genomes Project 0.01198; ESP Exome Variant Server 0.00015; gnomAD 0.00181 and 0.00239; TOPMed 0.00329.

Submissions (7):

Labcorp Genetics (formerly Invitae), Labcorp
Classification: Benign for Developmental and epileptic encephalopathy, 12. Last evaluated: 2026-02-02. Review status: criteria provided, single submitter. Criteria: Invitae Variant Classification Sherloc (09022015). Collection method: clinical testing. Allele origin: germline.

Mayo Clinic Laboratories, Mayo Clinic
Classification: Benign. Last evaluated: 2021-04-08. Review status: criteria provided, single submitter. Criteria: ACMG Guidelines, 2015. Collection method: clinical testing. Allele origin: germline. Observed: 6 variant alleles.

Illumina Laboratory Services, Illumina
Classification: Likely benign for Microcephaly, seizures, and developmental delay. Last evaluated: 2017-04-27. Review status: criteria provided, single submitter. Criteria: ICSL Variant Classification Criteria 13 December 2019. Collection method: clinical testing. Allele origin: germline.
Comment: This variant was observed as part of a predisposition screen in an ostensibly healthy population. A literature search was performed for the gene, cDNA change, and amino acid change (where applicable). No publications were found based on this search. Allele frequency data from public databases allowed determination this variant is unlikely to cause disease. Therefore, this variant is classified as likely benign.

Ambry Genetics
Classification: Benign for Inborn genetic diseases. Last evaluated: 2017-02-01. Review status: criteria provided, single submitter. Criteria: Ambry Variant Classification Scheme 2023. Collection method: clinical testing. Allele origin: germline.

Eurofins Ntd Llc (ga)
Classification: Benign. Last evaluated: 2015-05-14. Review status: criteria provided, single submitter. Criteria: EGL Classification Definitions 2015. Collection method: clinical testing. Allele origin: germline. Observed: 2 variant alleles, 2 heterozygotes.

GeneDx
Classification: Benign. Last evaluated: 2013-05-28. Review status: criteria provided, single submitter. Criteria: GeneDx Variant Classification (06012015). Collection method: clinical testing. Allele origin: germline. Affected: yes.
Comment: This variant is considered likely benign or benign based on one or more of the following criteria: it is a conservative change, it occurs at a poorly conserved position in the protein, it is predicted to be benign by multiple in silico algorithms, and/or has population frequency not consistent with disease.

Genetic Services Laboratory, University of Chicago
Classification: Benign. Last evaluated: 2013-02-08. Review status: criteria provided, single submitter. Criteria: ACMG Guidelines, 2007. Collection method: clinical testing. Allele origin: germline. Inheritance: Autosomal recessive inheritance.

NM_007254.4(PNKP):c.1433T>G (p.Val478Gly)

Gene: PNKP (polynucleotide kinase 3'-phosphatase; minus strand). Cytogenetic location: 19q13.33.
Variant type: single nucleotide variant.
Coding change: c.1433T>G on transcript NM_007254.4 (MANE Select); coding-DNA position 1433, T replaced by G.
Protein change: p.Val478Gly; replaces valine 478 with glycine.
Molecular consequence: missense variant.
Genome position (GRCh38, 1-based): chr19:49,861,464, A>C on the plus strand (T>G on the coding strand, the complement: PNKP is on the minus strand). VCF-style: chr19-49861464-A-C. GRCh37 (hg19) VCF-style: chr19-50364721-A-C.
Other names: p.V478G:GTC>GGC; short protein forms V478G.
Identifiers: ClinVar variation 138723 (VCV000138723.63), dbSNP rs3739206, ClinGen allele CA295144.